The following is an entry in ClinVar:

NM_002103.5(GYS1):c.448G>T (p.Asp150Tyr)

Gene: GYS1 (glycogen synthase 1; minus strand). Cytogenetic location: 19q13.33.
Variant type: single nucleotide variant.
Coding change: c.448G>T on transcript NM_002103.5 (MANE Select); coding-DNA position 448, G replaced by T.
Protein change: p.Asp150Tyr; replaces aspartic acid 150 with tyrosine.
Molecular consequence: missense variant. On other transcripts: non-coding transcript variant (1), intron variant (1).
Genome position (GRCh38, 1-based): chr19:48,987,238, C>A on the plus strand (G>T on the coding strand, the complement: GYS1 is on the minus strand). VCF-style: chr19-48987238-C-A. GRCh37 (hg19) VCF-style: chr19-49490495-C-A.
Other names: c.301-1203G>T (NM_001161587.2); short protein forms D150Y.
Identifiers: ClinVar variation 1512214 (VCV001512214.8), dbSNP rs548135246, ClinGen allele CA406765885.

ClinVar aggregate classification (germline): Uncertain significance (1 of 4 stars; one submission).

Conditions:
Glycogen storage disease due to muscle and heart glycogen synthase deficiency. Also called: GSD 0b; MUSCLE GLYCOGEN SYNTHASE DEFICIENCY. Identifiers: Orphanet 137625, MedGen C1969054, MONDO:0012693, OMIM 611556.

Submission:

Labcorp Genetics (formerly Invitae), Labcorp
Classification: Uncertain significance for Glycogen storage disease due to muscle and heart glycogen synthase deficiency. Last evaluated: 2022-02-02. Review status: criteria provided, single submitter. Criteria: Invitae Variant Classification Sherloc (09022015). Collection method: clinical testing. Allele origin: germline.
Comment: This sequence change replaces aspartic acid, which is acidic and polar, with tyrosine, which is neutral and polar, at codon 150 of the GYS1 protein (p.Asp150Tyr). This variant is not present in population databases (gnomAD no frequency). This variant has not been reported in the literature in individuals affected with GYS1-related conditions. Algorithms developed to predict the effect of missense changes on protein structure and function are either unavailable or do not agree on the potential impact of this missense change (SIFT: "Deleterious"; PolyPhen-2: "Probably Damaging"; Align-GVGD: "Class C15"). In summary, the available evidence is currently insufficient to determine the role of this variant in disease. Therefore, it has been classified as a Variant of Uncertain Significance.